The following is an entry in ClinVar:

ClinVar aggregate classification (germline): Benign/Likely benign. Review status: criteria provided, multiple submitters, no conflicts (2 of 4 stars). 12 submissions from 12 submitters: Benign (3); Likely benign (6). 3 of the submissions do not count toward it. Last evaluated 2026-07-01.

Conditions:
PLA2G6-associated neurodegeneration (PLAN). Also called: phospholipase A2-associated neurodegeneration. Identifiers: Orphanet 329303, MedGen CN204472, MONDO:0017998.
Infantile neuroaxonal dystrophy (NBIA2A). Also called: Infantile neuroaxonal dystrophy 1; NEURODEGENERATION WITH BRAIN IRON ACCUMULATION 2A; SEITELBERGER DISEASE. Identifiers: Orphanet 35069, MedGen C0270724, MONDO:0024457, OMIM 256600.

Allele frequency attached by ClinVar (database versions not stated): 1000 Genomes Project 30x 0.00109; 1000 Genomes Project 0.00120; TOPMed 0.00234; gnomAD 0.00249 and 0.00250; ESP Exome Variant Server 0.00255; gnomAD exomes 0.00278 and 0.00381; ExAC 0.00491.

Submissions (12):

CeGaT Center for Human Genetics Tuebingen
Classification: Likely benign. Last evaluated: 2026-07-01. Review status: criteria provided, single submitter. Criteria: CeGaT Center For Human Genetics Tuebingen Variant Classification Criteria Version 2. Collection method: clinical testing. Allele origin: germline. Affected: yes. Observed: 37 variant alleles.
Comment: PLA2G6: BS2

Labcorp Genetics (formerly Invitae), Labcorp
Classification: Benign for Infantile neuroaxonal dystrophy. Last evaluated: 2026-02-02. Review status: criteria provided, single submitter. Criteria: Invitae Variant Classification Sherloc (09022015). Collection method: clinical testing. Allele origin: germline.

Athena Diagnostics
Classification: Benign. Last evaluated: 2024-12-09. Review status: criteria provided, single submitter. Criteria: Athena Diagnostics Criteria. Collection method: clinical testing. Allele origin: unknown.
Comment: The frequency of this variant in the general population is higher than would generally be expected for pathogenic variants in this gene. Computational tools yielded predictions that this variant is unlikely to have an effect on normal RNA splicing. This nucleotide position exhibits low evolutionary conservation.

Blueprint Genetics
Classification: Likely benign. Last evaluated: 2024-11-27. Review status: criteria provided, single submitter. Criteria: ACMG Guidelines, 2015. Collection method: clinical testing. Allele origin: germline.

Mayo Clinic Laboratories, Mayo Clinic
Classification: Benign. Last evaluated: 2023-10-04. Review status: criteria provided, single submitter. Criteria: ACMG Guidelines, 2015. Collection method: clinical testing. Allele origin: germline. Observed: 13 variant alleles.

GeneDx
Classification: Likely benign. Last evaluated: 2020-09-04. Review status: criteria provided, single submitter. Criteria: GeneDx Variant Classification Process June 2021. Collection method: clinical testing. Allele origin: germline. Affected: yes.
Comment: This variant is associated with the following publications: (PMID: 27942883)

Genetic Services Laboratory, University of Chicago
Classification: Likely benign. Last evaluated: 2018-04-11. Review status: criteria provided, single submitter. Criteria: ACMG Guidelines, 2015. Collection method: clinical testing. Allele origin: germline. Affected: no.

Illumina Laboratory Services, Illumina
Classification: Likely benign for PLA2G6-associated neurodegeneration. Last evaluated: 2018-01-12. Review status: criteria provided, single submitter. Criteria: ICSL Variant Classification Criteria 13 December 2019. Collection method: clinical testing. Allele origin: germline.
Comment: This variant was observed in the ICSL laboratory as part of a predisposition screen in an ostensibly healthy population. It had not been previously curated by ICSL or reported in the Human Gene Mutation Database (HGMD: prior to June 1st, 2018), and was therefore a candidate for classification through an automated scoring system. Utilizing variant allele frequency, disease prevalence and penetrance estimates, and inheritance mode, an automated score was calculated to assess if this variant is too frequent to cause the disease. Based on the score and internal cut-off values, a variant classified as likely benign is not then subjected to further curation. The score for this variant resulted in a classification of likely benign for this disease.

Breakthrough Genomics
Classification: Likely benign. Review status: criteria provided, single submitter. Criteria: ACMG Guidelines, 2015. Collection method: not provided. Allele origin: germline. Inheritance: Autosomal recessive inheritance. Affected: yes.

Clinical Genetics DNA and cytogenetics Diagnostics Lab, Erasmus MC, Erasmus Medical Center
Classification: Likely benign. Review status: no assertion criteria provided. Collection method: clinical testing. Allele origin: germline. Affected: yes. Study: VKGL Data-share Consensus. Not counted in ClinVar's aggregate classification.

Clinical Genetics, Academic Medical Center
Classification: Benign. Review status: no assertion criteria provided. Collection method: clinical testing. Allele origin: germline. Affected: yes. Study: VKGL Data-share Consensus. Not counted in ClinVar's aggregate classification.

Diagnostic Laboratory, Department of Genetics, University Medical Center Groningen
Classification: Likely benign. Review status: no assertion criteria provided. Collection method: clinical testing. Allele origin: germline. Affected: yes. Study: VKGL Data-share Consensus. Not counted in ClinVar's aggregate classification.

NM_003560.4(PLA2G6):c.972G>A (p.Ala324=)

Gene: PLA2G6 (phospholipase A2 group VI; minus strand). Cytogenetic location: 22q13.1.
Variant type: single nucleotide variant.
Coding change: c.972G>A on transcript NM_003560.4 (MANE Select); coding-DNA position 972, G replaced by A.
Protein change: p.Ala324=; no amino-acid change (alanine 324 retained).
Molecular consequence: synonymous variant.
Genome position (GRCh38, 1-based): chr22:38,132,936, C>T on the plus strand (G>A on the coding strand, the complement: PLA2G6 is on the minus strand). VCF-style: chr22-38132936-C-T. GRCh37 (hg19) VCF-style: chr22-38528943-C-T.
Other names: p.Ala324=; c.972G>A, p.Ala324= (NM_001004426.3, NM_001199562.3, NM_001349864.2 and 2 more transcripts); c.438G>A, p.Ala146= (NM_001349867.2, NM_001349869.2); c.294G>A, p.Ala98= (NM_001349868.2).
Identifiers: ClinVar variation 159783 (VCV000159783.68), dbSNP rs147755372, ClinGen allele CA173299.
Genomic context (GRCh38, chr22:38,132,936, plus strand): 5'-ATCCGCGTTGGCCCCGTGGGTCAGCAGCACTATGGCACAGTCGAAGCGGTTGCGCATCAC[C>T]GCCACGTGCAGGGCCGTGTTCCCCGCGGAGCTGGTGCTGTTCACGTTGCAGCCCCGTTTC-3'
Protein context (NP_003551.2, residues 314-334): SSAGNTALHV[Ala324=]VMRNRFDCAI